The following is an entry in ClinVar:

NM_000548.5(TSC2):c.4315_4316insTCG (p.Arg1438_Gly1439insVal)

Gene: TSC2 (TSC complex subunit 2; plus strand). Cytogenetic location: 16p13.3.
Variant type: Insertion.
Coding change: c.4315_4316insTCG on transcript NM_000548.5 (MANE Select); coding-DNA positions 4315 to 4316, TCG inserted.
Protein change: p.Arg1438_Gly1439insVal.
Molecular consequence: inframe insertion.
Genome position: GRCh38 VCF-style: chr16-2084536-G-GGTC. GRCh37 (hg19) VCF-style: chr16-2134537-G-GGTC.
Other names: c.4114_4115insTCG, p.Arg1371_Gly1372insVal (NM_001077183.3); c.4246_4247insTCG, p.Arg1415_Gly1416insVal (NM_001114382.3); c.4006_4007insTCG, p.Arg1335_Gly1336insVal (NM_001318827.2); c.3970_3971insTCG, p.Arg1323_Gly1324insVal (NM_001318829.2); c.3583_3584insTCG, p.Arg1194_Gly1195insVal (NM_001318831.2); c.4147_4148insTCG, p.Arg1382_Gly1383insVal (NM_001318832.2); c.4117_4118insTCG, p.Arg1372_Gly1373insVal (NM_001363528.2); c.4183_4184insTCG, p.Arg1394_Gly1395insVal (NM_001370404.1); and 1 more.
Identifiers: ClinVar variation 824784 (VCV000824784.4), dbSNP rs1596417514, ClinGen allele CA915946303.

ClinVar aggregate classification (germline): Uncertain significance (1 of 4 stars; one submission).

Conditions:
Hereditary cancer-predisposing syndrome. Also called: Neoplastic Syndromes, Hereditary; Tumor predisposition; Hereditary neoplastic syndrome; Hereditary Cancer Syndrome. Identifiers: Orphanet 140162, MedGen C0027672, MeSH D009386, MONDO:0015356.

Submission:

Ambry Genetics
Classification: Uncertain significance for Hereditary cancer-predisposing syndrome. Last evaluated: 2019-07-12. Review status: criteria provided, single submitter. Criteria: Ambry Variant Classification Scheme 2023. Collection method: clinical testing. Allele origin: germline.
Comment: The c.4315_4316insTCG variant (also known as p.R1438_G1439insV), located in coding exon 33 of the TSC2 gene, results from an in-frame TCG insertion at nucleotide positions 4315 to 4316. This results in the insertion of an extra valine residue between codons 1438 and 1439. These amino acid positions are not well conserved in available vertebrate species. In addition, this alteration is predicted to be neutral by in silico analysis (Choi Y et al., PLoS ONE 2012; 7(10):e46688). Since supporting evidence is limited at this time, the clinical significance of this alteration remains unclear.